The following is an entry in ClinVar:

NM_004531.5(MOCS2):c.154G>A (p.Glu52Lys)

Gene: MOCS2 (molybdenum cofactor synthesis 2; minus strand). Cytogenetic location: 5q11.2.
Variant type: single nucleotide variant.
Coding change: c.154G>A on transcript NM_004531.5 (MANE Select); coding-DNA position 154, G replaced by A.
Protein change: p.Glu52Lys; replaces glutamic acid 52 with lysine.
Molecular consequence: missense variant. On other transcripts: 3 prime UTR variant (1).
Genome position (GRCh38, 1-based): chr5:53,102,169, C>T on the plus strand (G>A on the coding strand, the complement: MOCS2 is on the minus strand). VCF-style: chr5-53102169-C-T. GRCh37 (hg19) VCF-style: chr5-52397999-C-T.
Other names: c.*74G>A (NM_176806.4); short protein forms E52K.
Identifiers: ClinVar variation 1034944 (VCV001034944.5), dbSNP rs769972877, ClinGen allele CA3263703.

ClinVar aggregate classification (germline): Uncertain significance. Review status: criteria provided, multiple submitters, no conflicts (2 of 4 stars). 2 submissions from 2 submitters: Uncertain significance (2). Last evaluated 2022-09-27.

Conditions:
Sulfite oxidase deficiency due to molybdenum cofactor deficiency type B1 (MOCODB1). Also called: MOLYBDENUM COFACTOR DEFICIENCY, TYPE B1; Molybdenum cofactor deficiency, complementation group B; Molybdenum cofactor deficiency B; Sulfite oxidase deficiency due to molybdenum cofactor deficiency type B. Identifiers: Orphanet 308393, Orphanet 833, MedGen C6065887, MONDO:0009644, OMIM 252160.

Allele frequency attached by ClinVar (database versions not stated): ExAC 0.00001; gnomAD exomes 0.00001 and 0.00003; gnomAD 0.00006 and 0.00007; TOPMed 0.00006.

Submissions (2):

Labcorp Genetics (formerly Invitae), Labcorp
Classification: Uncertain significance. Last evaluated: 2022-09-27. Review status: criteria provided, single submitter. Criteria: Invitae Variant Classification Sherloc (09022015). Collection method: clinical testing. Allele origin: germline.
Comment: This sequence change replaces glutamic acid, which is acidic and polar, with lysine, which is basic and polar, at codon 52 of the MOCS2B protein (p.Glu52Lys). This variant is present in population databases (rs769972877, gnomAD 0.008%). This variant has not been reported in the literature in individuals affected with MOCS2B-related conditions. ClinVar contains an entry for this variant (Variation ID: 1034944). Algorithms developed to predict the effect of missense changes on protein structure and function output the following: SIFT: "Tolerated"; PolyPhen-2: "Benign"; Align-GVGD: "Class C0". The lysine amino acid residue is found in multiple mammalian species, which suggests that this missense change does not adversely affect protein function. In summary, the available evidence is currently insufficient to determine the role of this variant in disease. Therefore, it has been classified as a Variant of Uncertain Significance.

Department of Pathology and Laboratory Medicine, Sinai Health System
Classification: Uncertain significance for Sulfite oxidase deficiency due to molybdenum cofactor deficiency type B1. Last evaluated: 2022-04-12. Review status: criteria provided, single submitter. Criteria: ACMG Guidelines, 2015. Collection method: research. Allele origin: germline.